The following is an entry in ClinVar:

ClinVar aggregate classification (germline): Uncertain significance (1 of 4 stars; one submission).

Conditions:
BBS4-related disorder. Also called: BBS4-related condition.

gnomAD v4.1: 1 of 1,614,170 alleles (0.000062%); highest among the groups gnomAD compares: Non-Finnish European, 0.000085%; no homozygotes.

Submission:

PreventionGenetics, part of Exact Sciences
Classification: Uncertain significance for BBS4-related condition. Last evaluated: 2026-08-18. Review status: criteria provided, single submitter. Criteria: ACMG Guidelines, 2015. Collection method: clinical testing. Allele origin: germline.
Comment: The BBS4 c.875G>T variant is predicted to result in the amino acid substitution p.Cys292Phe. To our knowledge, this variant has not been reported in the literature. This variant is reported in 0.00088% of alleles in individuals of European (Non-Finnish) descent in gnomAD. At this time, the clinical significance of this variant is uncertain due to the absence of conclusive functional and genetic evidence.

NM_033028.5(BBS4):c.875G>T (p.Cys292Phe)

Gene: BBS4 (Bardet-Biedl syndrome 4; plus strand). Cytogenetic location: 15q24.1.
Variant type: single nucleotide variant.
Coding change: c.875G>T on transcript NM_033028.5 (MANE Select); coding-DNA position 875, G replaced by T.
Protein change: p.Cys292Phe; replaces cysteine 292 with phenylalanine.
Molecular consequence: missense variant. On other transcripts: non-coding transcript variant (2).
Genome position (GRCh38, 1-based): chr15:72,731,565, G>T. VCF-style: chr15-72731565-G-T. GRCh37 (hg19) VCF-style: chr15-73023906-G-T.
Other names: c.359G>T, p.Cys120Phe (NM_001252678.2); c.806G>T, p.Cys269Phe (NM_001320665.2); short protein forms C120F, C269F, C292F.
Identifiers: ClinVar variation 4993077 (VCV004993077.1).